The following is an entry in ClinVar:

NM_001360.3(DHCR7):c.30del (p.Ala12fs)

Gene: DHCR7 (7-dehydrocholesterol reductase; minus strand). Cytogenetic location: 11q13.4.
Variant type: Deletion.
Coding change: c.30del on transcript NM_001360.3 (MANE Select); coding-DNA position 30, one base deleted (C; older notation c.30delC).
Protein change: p.Ala12fs; shifts the reading frame from alanine 12.
Molecular consequence: frameshift variant. On other transcripts: 5 prime UTR variant (1).
Genome position (GRCh38, 1-based): chr11:71,444,923, G deleted on the plus strand (C on the coding strand, the reverse complement: DHCR7 is on the minus strand); the first of 3 consecutive G bases (chr11:71,444,923-71,444,925); deleting any one gives the same sequence. VCF-style (leftmost placement, unchanged base first): chr11-71444922-TG-T. GRCh37 (hg19) VCF-style: chr11-71155968-TG-T.
Other names: c.30delC (NM_001360.2); c.30del, p.Ala12fs (NM_001163817.2, NM_001425107.1, NM_001425108.1 and 11 more transcripts); c.-216del (NM_001425117.1); short protein forms A12fs.
Identifiers: ClinVar variation 4814821 (VCV004814821.1).

ClinVar aggregate classification (germline): Likely pathogenic (1 of 4 stars; one submission).

Conditions:
Smith-Lemli-Opitz syndrome (SLOS). Also called: LETHAL ACRODYSGENITAL SYNDROME; POLYDACTYLY, SEX REVERSAL, RENAL HYPOPLASIA, AND UNILOBAR LUNG; RSH SYNDROME; RUTLEDGE LETHAL MULTIPLE CONGENITAL ANOMALY SYNDROME; 7-Dehydrocholesterol reductase deficiency. Identifiers: Orphanet 818, MedGen C0175694, MONDO:0010035, OMIM 270400.

Submission:

Natera, Inc.
Classification: Likely pathogenic for Smith-Lemli-Opitz syndrome. Last evaluated: 2025-06-05. Review status: criteria provided, single submitter. Criteria: Natera Variant Classification Schema (03/2026). Collection method: clinical testing. Allele origin: germline.
Comment: The c.30delC variant in DHCR7 is a frameshift variant predicted to shift the reading frame beginning at codon 12 and leads to a stop codon 4 codons downstream. This variant is expected to result in nonsense mediated decay, truncation, or a dysfunctional protein product. This variant is rare in the general population with a frequency below the threshold expected for the associated phenotype(s). Given the available evidence, this variant is classified as Likely Pathogenic.